The following is an entry in ClinVar:

ClinVar aggregate classification (germline): Conflicting classifications of pathogenicity. Review status: criteria provided, conflicting classifications (1 of 4 stars). 3 submissions from 3 submitters: Uncertain significance (2); Likely benign (1). Last evaluated 2023-04-22.

Conditions:
Orofaciodigital syndrome I (OFD1). Also called: Oral-Facial-Digital Syndrome Type I; Papillon-Leage and Psaume Syndrome; OFDS I. Identifiers: Orphanet 2750, MedGen C1510460, MONDO:0010702, OMIM 311200.
Joubert syndrome. Also called: Familial aplasia of the vermis; JOUBERT-BOLTSHAUSER SYNDROME. Identifiers: Orphanet 475, MedGen C5979921, MONDO:0018772.
Primary ciliary dyskinesia. Also called: Ciliary dyskinesia. Identifiers: Orphanet 244, MedGen C0008780, MONDO:0016575, HP:0012265.

Allele frequency attached by ClinVar (database versions not stated): ExAC 0.00001; gnomAD exomes 0.00001 and 0.00002; TOPMed 0.00002.

Submissions (3):

Ambry Genetics
Classification: Likely benign for Primary ciliary dyskinesia. Last evaluated: 2023-04-22. Review status: criteria provided, single submitter. Criteria: Ambry Variant Classification Scheme 2023. Collection method: clinical testing. Allele origin: germline.

Labcorp Genetics (formerly Invitae), Labcorp
Classification: Uncertain significance for Orofaciodigital syndrome I; Joubert syndrome. Last evaluated: 2022-08-07. Review status: criteria provided, single submitter. Criteria: Invitae Variant Classification Sherloc (09022015). Collection method: clinical testing. Allele origin: germline.
Comment: In summary, the available evidence is currently insufficient to determine the role of this variant in disease. Therefore, it has been classified as a Variant of Uncertain Significance. Algorithms developed to predict the effect of missense changes on protein structure and function output the following: SIFT: "Deleterious"; PolyPhen-2: "Probably Damaging"; Align-GVGD: "Class C0". The tryptophan amino acid residue is found in multiple mammalian species, which suggests that this missense change does not adversely affect protein function. ClinVar contains an entry for this variant (Variation ID: 1306873). This variant has not been reported in the literature in individuals affected with OFD1-related conditions. This variant is present in population databases (rs780055525, gnomAD 0.01%). This sequence change replaces leucine, which is neutral and non-polar, with tryptophan, which is neutral and slightly polar, at codon 219 of the OFD1 protein (p.Leu219Trp).

GeneDx
Classification: Uncertain significance. Last evaluated: 2019-03-15. Review status: criteria provided, single submitter. Criteria: GeneDx Variant Classification Process June 2021. Collection method: clinical testing. Allele origin: germline. Affected: yes.
Comment: In silico analysis, which includes protein predictors and evolutionary conservation, supports a deleterious effect

NM_003611.3(OFD1):c.656T>G (p.Leu219Trp)

Gene: OFD1 (OFD1 centriole and centriolar satellite protein; plus strand). Cytogenetic location: Xp22.2.
Variant type: single nucleotide variant.
Coding change: c.656T>G on transcript NM_003611.3 (MANE Select); coding-DNA position 656, T replaced by G.
Protein change: p.Leu219Trp; replaces leucine 219 with tryptophan.
Molecular consequence: missense variant.
Genome position (GRCh38, 1-based): chrX:13,746,781, T>G. VCF-style: chrX-13746781-T-G. GRCh37 (hg19) VCF-style: chrX-13764900-T-G.
Other names: c.656T>G, p.Leu219Trp (NM_001330209.2); c.236T>G, p.Leu79Trp (NM_001330210.2); short protein forms L219W, L79W.
Identifiers: ClinVar variation 1306873 (VCV001306873.11), dbSNP rs780055525, ClinGen allele CA10351669.
Genomic context (GRCh38, chrX:13,746,781, plus strand): 5'-TGTTCCTGTTTTTATAGTATAATAGTTGGTATTTTTAATTTTTTGTGATCAATTTGCAGT[T>G]GAAGTTTTTTAAAGATACCGAGATAGCAAAAATTAAAATGGAAGCAAAAAAAAAGTATGA-3'
Protein context (NP_003602.1, residues 209-229): EQLRAEMCQK[Leu219Trp]KFFKDTEIAK